The following is an entry in ClinVar:

NC_000006.11:g.(?_42945987)_(42946888_?)del

Gene: PEX6 (peroxisomal biogenesis factor 6; minus strand). Cytogenetic location: 6p21.1.
Variant type: Deletion.
Identifiers: ClinVar variation 3245995 (VCV003245995.1).

ClinVar aggregate classification (germline): Pathogenic (1 of 4 stars; one submission).

Conditions:
Peroxisome biogenesis disorder. Identifiers: Orphanet 79189, MedGen C1832200, MONDO:0019234. Disease mechanism: loss of function.

Submission:

Labcorp Genetics (formerly Invitae), Labcorp
Classification: Pathogenic for Peroxisome biogenesis disorder. Last evaluated: 2023-08-31. Review status: criteria provided, single submitter. Criteria: Invitae Variant Classification Sherloc (09022015). Collection method: clinical testing. Allele origin: unknown.
Comment: For these reasons, this variant has been classified as Pathogenic. This variant has not been reported in the literature in individuals affected with PEX6-related conditions. This variant is a gross deletion of the genomic region encompassing exon(s) 1 of the PEX6 gene, which includes the initiator codon. This deletion extends beyond the assayed region for this gene and therefore may encompass additional genes. It is expected to result in an absent or disrupted protein product. Loss-of-function variants in PEX6 are known to be pathogenic (PMID: 10408779, 21031596, 31831025).

Literature cited by the submitters: PubMed 10408779; PubMed 21031596; PubMed 31831025.